The following is an entry in ClinVar:

ClinVar aggregate classification (germline): Likely benign (1 of 4 stars; one submission).

Conditions:
Sessile serrated polyposis cancer syndrome (SSPCS). Identifiers: Orphanet 157798, MedGen C4310714, MONDO:0014919, OMIM 617108.

Submission:

Myriad Genetics, Inc.
Classification: Likely benign for Sessile serrated polyposis cancer syndrome. Last evaluated: 2026-06-26. Review status: criteria provided, single submitter. Criteria: Myriad Autosomal Dominant, Autosomal Recessive and X-Linked Classification Criteria (2023). Collection method: clinical testing. Allele origin: unknown.
Comment: This variant is considered likely benign. This variant is intronic and is not expected to impact mRNA splicing.

NM_017763.6(RNF43):c.2309-19_2309-15delinsTCCCC

Gene: RNF43 (ring finger protein 43; minus strand). Cytogenetic location: 17q22.
Variant type: Indel.
Coding change: c.2309-19_2309-15delinsTCCCC on transcript NM_017763.6 (MANE Select); 19 bases into the intron before coding-DNA position 2309 through 15 bases into the intron before coding-DNA position 2309, CCCCG replaced by TCCCC.
Molecular consequence: intron variant.
Genome position (GRCh38, 1-based): chr17:58,355,001-58,355,005, CGGGG replaced by GGGGA on the plus strand (CCCCG replaced by TCCCC on the coding strand, the reverse complement: RNF43 is on the minus strand). VCF-style: chr17-58355001-CGGGG-GGGGA. GRCh37 (hg19) VCF-style: chr17-56432362-CGGGG-GGGGA.
Other names: c.2309-19_2309-15delinsTCCCC (NM_001438822.1, NM_001305544.3); c.1928-19_1928-15delinsTCCCC (NM_001305545.2).
Identifiers: ClinVar variation 4875800 (VCV004875800.1).